The following is an entry in ClinVar:

NM_012310.5(KIF4A):c.1656C>T (p.Pro552=)

Gene: KIF4A (kinesin family member 4A; plus strand). Cytogenetic location: Xq13.1.
Variant type: single nucleotide variant.
Coding change: c.1656C>T on transcript NM_012310.5 (MANE Select); coding-DNA position 1656, C replaced by T.
Protein change: p.Pro552=; no amino-acid change (proline 552 retained).
Molecular consequence: synonymous variant.
Genome position (GRCh38, 1-based): chrX:70,353,789, C>T. VCF-style: chrX-70353789-C-T. GRCh37 (hg19) VCF-style: chrX-69573639-C-T.
Identifiers: ClinVar variation 3055648 (VCV003055648.2), dbSNP rs1199429, ClinGen allele CA10441171.

ClinVar aggregate classification (germline): Benign (0 of 4 stars; one submission).

Conditions:
KIF4A-related disorder. Also called: KIF4A-related condition.

Allele frequency attached by ClinVar (database versions not stated): gnomAD exomes 0.04721; ExAC 0.10904; 1000 Genomes Project 0.11921; 1000 Genomes Project 30x 0.12653; gnomAD 0.12682; TOPMed 0.13994; ESP Exome Variant Server 0.15726.
gnomAD v4.1: 65,202 of 1,182,801 alleles (5.5%); highest among the groups gnomAD compares: African/African-American, 35%; 3,345 homozygotes.

Submission:

PreventionGenetics, part of Exact Sciences
Classification: Benign for KIF4A-related condition. Last evaluated: 2019-03-07. Review status: no assertion criteria provided. Collection method: clinical testing. Allele origin: germline.
Comment: This variant is classified as benign based on ACMG/AMP sequence variant interpretation guidelines (Richards et al. 2015 PMID: 25741868, with internal and published modifications).